The following is an entry in ClinVar:

ClinVar aggregate classification (germline): Uncertain significance (1 of 4 stars; one submission).

Allele frequency attached by ClinVar (database versions not stated): ExAC 0.00001; gnomAD 0.00003; TOPMed 0.00005.
gnomAD v4.1: 24 of 1,613,932 alleles (0.0015%); highest among the groups gnomAD compares: African/African-American, 0.019%; no homozygotes.

Submission:

Labcorp Genetics (formerly Invitae), Labcorp
Classification: Uncertain significance. Last evaluated: 2023-10-29. Review status: criteria provided, single submitter. Criteria: Invitae Variant Classification Sherloc (09022015). Collection method: clinical testing. Allele origin: germline.
Comment: This sequence change replaces lysine, which is basic and polar, with arginine, which is basic and polar, at codon 2136 of the RNF213 protein (p.Lys2136Arg). This variant is present in population databases (rs777003742, gnomAD 0.006%). This variant has not been reported in the literature in individuals affected with RNF213-related conditions. An algorithm developed to predict the effect of missense changes on protein structure and function (PolyPhen-2) suggests that this variant is likely to be disruptive. In summary, the available evidence is currently insufficient to determine the role of this variant in disease. Therefore, it has been classified as a Variant of Uncertain Significance.

NM_001256071.3(RNF213):c.6407A>G (p.Lys2136Arg)

Gene: RNF213 (ring finger protein 213; plus strand). Cytogenetic location: 17q25.3.
Variant type: single nucleotide variant.
Coding change: c.6407A>G on transcript NM_001256071.3 (MANE Select); coding-DNA position 6407, A replaced by G.
Protein change: p.Lys2136Arg; replaces lysine 2136 with arginine.
Molecular consequence: missense variant.
Genome position (GRCh38, 1-based): chr17:80,344,742, A>G. VCF-style: chr17-80344742-A-G. GRCh37 (hg19) VCF-style: chr17-78318542-A-G.
Other names: c.6554A>G, p.Lys2185Arg (NM_001410195.1, NM_020914.5); short protein forms K2136R, K2185R.
Identifiers: ClinVar variation 2889890 (VCV002889890.1), dbSNP rs777003742, ClinGen allele CA8820540.